The following is an entry in ClinVar:

ClinVar aggregate classification (germline): Likely pathogenic (1 of 4 stars; one submission).

Conditions:
Microcephaly and chorioretinopathy 1. Also called: Microcephaly and chorioretinopathy, autosomal recessive, 1. Identifiers: MedGen C3278481, MONDO:0009624, OMIM 251270.

Submission:

Laboratorio de Genetica e Diagnostico Molecular, Hospital Israelita Albert Einstein
Classification: Likely pathogenic for Microcephaly and chorioretinopathy 1. Last evaluated: 2023-06-02. Review status: criteria provided, single submitter. Criteria: ACMG Guidelines, 2015. Collection method: clinical testing. Allele origin: germline. Affected: yes.
Comment: ACMG classification criteria: PVS1 very strong, PM2 moderate

NM_020461.4(TUBGCP6):c.1242dup (p.Leu415fs)

Gene: TUBGCP6 (tubulin gamma complex component 6; minus strand). Cytogenetic location: 22q13.33.
Variant type: Duplication.
Coding change: c.1242dup on transcript NM_020461.4 (MANE Select); coding-DNA position 1242, one base duplicated (T; older notation c.1242dupT).
Protein change: p.Leu415fs; shifts the reading frame from leucine 415.
Molecular consequence: frameshift variant.
Genome position (GRCh38, 1-based): chr22:50,229,452, A duplicated on the plus strand (T on the coding strand, the reverse complement: TUBGCP6 is on the minus strand). VCF-style (leftmost placement, unchanged base first): chr22-50229451-G-GA. GRCh37 (hg19) VCF-style: chr22-50667880-G-GA.
Other names: short protein forms L415fs.
Identifiers: ClinVar variation 4076280 (VCV004076280.1).